The following is an entry in ClinVar:

ClinVar aggregate classification (germline): Uncertain significance (1 of 4 stars; one submission).

Conditions:
Inborn genetic diseases. Identifiers: MedGen C0950123, MeSH D030342.

Submission:

Ambry Genetics
Classification: Uncertain significance for Inborn genetic diseases. Last evaluated: 2026-06-24. Review status: criteria provided, single submitter. Criteria: Ambry Variant Classification Scheme 2023. Collection method: clinical testing. Allele origin: germline.
Comment: The c.7598A>G (p.K2533R) alteration is located in exon 53 (coding exon 53) of the LAMA1 gene. This alteration results from a A to G substitution at nucleotide position 7598, causing the lysine (K) at amino acid position 2533 to be replaced by an arginine (R). Based on data from gnomAD, the G allele has an overall frequency of <0.001% (1/251226) total alleles studied. The highest observed frequency was 0.006% (1/16238) of African alleles. Based on insufficient or conflicting evidence, the clinical significance of this alteration remains unclear.

NM_005559.4(LAMA1):c.7598A>G (p.Lys2533Arg)

Gene: LAMA1 (laminin subunit alpha 1; minus strand). Cytogenetic location: 18p11.31.
Variant type: single nucleotide variant.
Coding change: c.7598A>G on transcript NM_005559.4 (MANE Select); coding-DNA position 7598, A replaced by G.
Protein change: p.Lys2533Arg; replaces lysine 2533 with arginine.
Molecular consequence: missense variant.
Genome position (GRCh38, 1-based): chr18:6,961,614, T>C on the plus strand (A>G on the coding strand, the complement: LAMA1 is on the minus strand). VCF-style: chr18-6961614-T-C. GRCh37 (hg19) VCF-style: chr18-6961613-T-C.
Other names: short protein forms K2533R.
Identifiers: ClinVar variation 5023452 (VCV005023452.1).